The following is an entry in ClinVar:

NM_001958.5(EEF1A2):c.817C>T (p.Arg273Trp)

Gene: EEF1A2 (eukaryotic translation elongation factor 1 alpha 2; minus strand). Cytogenetic location: 20q13.33.
Variant type: single nucleotide variant.
Coding change: c.817C>T on transcript NM_001958.5 (MANE Select); coding-DNA position 817, C replaced by T.
Protein change: p.Arg273Trp; replaces arginine 273 with tryptophan.
Molecular consequence: missense variant.
Genome position (GRCh38, 1-based): chr20:63,490,691, G>A on the plus strand (C>T on the coding strand, the complement: EEF1A2 is on the minus strand). VCF-style: chr20-63490691-G-A. GRCh37 (hg19) VCF-style: chr20-62122044-G-A.
Other names: c.817C>T (NM_001958.2); short protein forms R273W.
Identifiers: ClinVar variation 1526355 (VCV001526355.3), dbSNP rs561671132, ClinGen allele CA9959016.

ClinVar aggregate classification (germline): Uncertain significance. Review status: criteria provided, multiple submitters, no conflicts (2 of 4 stars). 2 submissions from 2 submitters: Uncertain significance (2). Last evaluated 2026-06-22.

Conditions:
Inborn genetic diseases. Identifiers: MedGen C0950123, MeSH D030342.

Allele frequency attached by ClinVar (database versions not stated): 1000 Genomes Project 0.00020; 1000 Genomes Project 30x 0.00016; ExAC 0.00001; gnomAD 0.00001.
gnomAD v4.1: 4 of 1,608,380 alleles (0.00025%); highest among the groups gnomAD compares: South Asian, 0.0022%; no homozygotes.

Submissions (2):

Ambry Genetics
Classification: Uncertain significance for Inborn genetic diseases. Last evaluated: 2026-06-22. Review status: criteria provided, single submitter. Criteria: Ambry Variant Classification Scheme 2023. Collection method: clinical testing. Allele origin: germline.
Comment: The c.817C>T (p.R273W) alteration is located in exon 6 (coding exon 5) of the EEF1A2 gene. This alteration results from a C to T substitution at nucleotide position 817, causing the arginine (R) at amino acid position 273 to be replaced by a tryptophan (W). Based on data from gnomAD, the T allele has an overall frequency of <0.001% (0/245330) total alleles studied. The highest observed frequency was <0.001% (/) of alleles. Based on insufficient or conflicting evidence, the clinical significance of this alteration remains unclear.

GeneDx
Classification: Uncertain significance. Last evaluated: 2022-03-14. Review status: criteria provided, single submitter. Criteria: GeneDx Variant Classification Process June 2021. Collection method: clinical testing. Allele origin: germline. Affected: yes.
Comment: In silico analysis supports that this missense variant has a deleterious effect on protein structure/function; Has not been previously published as pathogenic or benign to our knowledge